The following is an entry in ClinVar:

NM_001099415.3(POM121C):c.2283G>A (p.Thr761=)

Gene: POM121C (POM121 transmembrane nucleoporin C; minus strand). Cytogenetic location: 7q11.23.
Variant type: single nucleotide variant.
Coding change: c.2283G>A on transcript NM_001099415.3 (MANE Select); coding-DNA position 2283, G replaced by A.
Protein change: p.Thr761=; no amino-acid change (threonine 761 retained).
Molecular consequence: synonymous variant.
Genome position (GRCh38, 1-based): chr7:75,421,969, C>T on the plus strand (G>A on the coding strand, the complement: POM121C is on the minus strand). VCF-style: chr7-75421969-C-T. GRCh37 (hg19) VCF-style: chr7-75051252-C-T.
Identifiers: ClinVar variation 2657610 (VCV002657610.24), dbSNP rs781862154, ClinGen allele CA4300454.

ClinVar aggregate classification (germline): Likely benign (1 of 4 stars; one submission).

Allele frequency attached by ClinVar (database versions not stated): ExAC 0.00004; gnomAD 0.00007; TOPMed 0.00009; gnomAD exomes 0.00016.
gnomAD v4.1: 258 of 1,613,770 alleles (0.016%); highest among the groups gnomAD compares: Non-Finnish European, 0.02%; no homozygotes.

Submission:

CeGaT Center for Human Genetics Tuebingen
Classification: Likely benign. Last evaluated: 2022-03-01. Review status: criteria provided, single submitter. Criteria: CeGaT Center For Human Genetics Tuebingen Variant Classification Criteria Version 2. Collection method: clinical testing. Allele origin: germline. Affected: yes. Observed: 1 variant allele.
Comment: POM121C: BP4, BP7